The following is an entry in ClinVar:

NM_000334.4(SCN4A):c.4906G>A (p.Ala1636Thr)

Genes: GH-LCR (growth hormone locus control region; plus strand), SCN4A (sodium voltage-gated channel alpha subunit 4; minus strand). Cytogenetic location: 17q23.3.
Variant type: single nucleotide variant.
Coding change: c.4906G>A on transcript NM_000334.4 (MANE Select); coding-DNA position 4906, G replaced by A.
Protein change: p.Ala1636Thr; replaces alanine 1636 with threonine.
Molecular consequence: missense variant.
Genome position (GRCh38, 1-based): chr17:63,941,376, C>T on the plus strand (G>A on the coding strand, the complement: SCN4A is on the minus strand). VCF-style: chr17-63941376-C-T. GRCh37 (hg19) VCF-style: chr17-62018736-C-T.
Other names: short protein forms A1636T.
Identifiers: ClinVar variation 2797364 (VCV002797364.3), dbSNP rs764949354, ClinGen allele CA8708877.

ClinVar aggregate classification (germline): Uncertain significance (1 of 4 stars; one submission).

Conditions:
Hyperkalemic periodic paralysis. Also called: Familial hyperkalemic periodic paralysis; Gamstorp disease. Identifiers: Orphanet 682, MedGen C0238357, MONDO:0008224, OMIM 170500, HP:0007215.

Allele frequency attached by ClinVar (database versions not stated): gnomAD exomes 0.00002; ExAC 0.00003; gnomAD 0.00004; TOPMed 0.00008.
gnomAD v4.1: 31 of 1,613,776 alleles (0.0019%); highest among the groups gnomAD compares: Admixed American, 0.027%; no homozygotes.

Submission:

Labcorp Genetics (formerly Invitae), Labcorp
Classification: Uncertain significance for Hyperkalemic periodic paralysis. Last evaluated: 2025-05-25. Review status: criteria provided, single submitter. Criteria: Invitae Variant Classification Sherloc (09022015). Collection method: clinical testing. Allele origin: germline.
Comment: This sequence change replaces alanine, which is neutral and non-polar, with threonine, which is neutral and polar, at codon 1636 of the SCN4A protein (p.Ala1636Thr). This variant is present in population databases (rs764949354, gnomAD 0.02%). This variant has not been reported in the literature in individuals affected with SCN4A-related conditions. ClinVar contains an entry for this variant (Variation ID: 2797364). Invitae Evidence Modeling of protein sequence and biophysical properties (such as structural, functional, and spatial information, amino acid conservation, physicochemical variation, residue mobility, and thermodynamic stability) indicates that this missense variant is not expected to disrupt SCN4A protein function with a negative predictive value of 95%. In summary, the available evidence is currently insufficient to determine the role of this variant in disease. Therefore, it has been classified as a Variant of Uncertain Significance.